The following is an entry in ClinVar:

NM_004959.5(NR5A1):c.386C>T (p.Pro129Leu)

Gene: NR5A1 (nuclear receptor subfamily 5 group A member 1; minus strand). Cytogenetic location: 9q33.3.
Variant type: single nucleotide variant.
Coding change: c.386C>T on transcript NM_004959.5 (MANE Select); coding-DNA position 386, C replaced by T.
Protein change: p.Pro129Leu; replaces proline 129 with leucine.
Molecular consequence: missense variant.
Genome position (GRCh38, 1-based): chr9:124,500,574, G>A on the plus strand (C>T on the coding strand, the complement: NR5A1 is on the minus strand). VCF-style: chr9-124500574-G-A. GRCh37 (hg19) VCF-style: chr9-127262853-G-A.
Other names: short protein forms P129L.
Identifiers: ClinVar variation 242720 (VCV000242720.11), dbSNP rs200749741, ClinGen allele CA034644.

ClinVar aggregate classification (germline): Likely benign. Review status: criteria provided, multiple submitters, no conflicts (2 of 4 stars). 3 submissions from 3 submitters: Likely benign (2). 1 of the submissions does not count toward it. Last evaluated 2026-01-15.

Conditions:
NR5A1-related disorder. Also called: NR5A1-related condition.
Oligosynaptic infertility (SPGF1). Also called: OLIGOCHIASMATIC INFERTILITY; SPERMATOGENIC FAILURE 1. Identifiers: MedGen C0403810, MONDO:0009776, OMIM 258150.
46 XY differences of sex development. Also called: 46,XY disorder of sex development; 46, XY disorder of sex development (DSD). Identifiers: Orphanet 98085, MedGen C2751824, MONDO:0020040.

Allele frequency attached by ClinVar (database versions not stated): gnomAD exomes 0.00009 and 0.00023; ExAC 0.00026; gnomAD 0.00085 and 0.00095; 1000 Genomes Project 0.00100; ESP Exome Variant Server 0.00111; TOPMed 0.00122; 1000 Genomes Project 30x 0.00141.
gnomAD v4.1: 278 of 1,612,092 alleles (0.017%); highest among the groups gnomAD compares: African/African-American, 0.27%; 1 homozygote.

Submissions (3):

Labcorp Genetics (formerly Invitae), Labcorp
Classification: Likely benign for 46 XY differences of sex development; Oligosynaptic infertility. Last evaluated: 2026-01-15. Review status: criteria provided, single submitter. Criteria: Invitae Variant Classification Sherloc (09022015). Collection method: clinical testing. Allele origin: germline.

GeneDx
Classification: Likely benign. Last evaluated: 2021-05-11. Review status: criteria provided, single submitter. Criteria: GeneDx Variant Classification Process June 2021. Collection method: clinical testing. Allele origin: germline. Affected: yes.
Comment: In silico analysis supports that this missense variant does not alter protein structure/function; This variant is associated with the following publications: (PMID: 20887963, 23543655, 32242295, 31787151)

PreventionGenetics, part of Exact Sciences
Classification: Likely benign for NR5A1-related condition. Last evaluated: 2022-02-09. Review status: no assertion criteria provided. Collection method: clinical testing. Allele origin: germline. Not counted in ClinVar's aggregate classification.
Comment: This variant is classified as likely benign based on ACMG/AMP sequence variant interpretation guidelines (Richards et al. 2015 PMID: 25741868, with internal and published modifications).